The following is an entry in ClinVar:

NM_015937.6(PIGT):c.1234+5G>A

Gene: PIGT (phosphatidylinositol glycan anchor biosynthesis class T; plus strand). Cytogenetic location: 20q13.12.
Variant type: single nucleotide variant.
Coding change: c.1234+5G>A on transcript NM_015937.6 (MANE Select); 5 bases into the intron after coding-DNA position 1234, G replaced by A.
Molecular consequence: intron variant.
Genome position (GRCh38, 1-based): chr20:45,421,588, G>A. VCF-style: chr20-45421588-G-A. GRCh37 (hg19) VCF-style: chr20-44050228-G-A.
Other names: c.1033+895G>A (NM_001184729.3); c.1066+5G>A (NM_001184728.3); c.928+5G>A (NM_001184730.3).
Identifiers: ClinVar variation 2501989 (VCV002501989.1), dbSNP rs1990368957, ClinGen allele CA2366209881.

ClinVar aggregate classification (germline): Uncertain significance (1 of 4 stars; one submission).

Submission:

GeneDx
Classification: Uncertain significance. Last evaluated: 2022-11-07. Review status: criteria provided, single submitter. Criteria: GeneDx Variant Classification Process June 2021. Collection method: clinical testing. Allele origin: germline. Affected: yes.
Comment: Not observed at significant frequency in large population cohorts (gnomAD); Intronic +5 splice site variant in a gene for which loss of function is a known mechanism of disease, and both splice predictors and evolutionary conservation support a deleterious effect, although in the absence of functional evidence the actual effect of this sequence change is unknown.; Has not been previously published as pathogenic or benign to our knowledge